The following is an entry in ClinVar:

ClinVar aggregate classification (germline): Uncertain significance. Review status: criteria provided, multiple submitters, no conflicts (2 of 4 stars). 2 submissions from 2 submitters: Uncertain significance (2). Last evaluated 2025-12-02.

Conditions:
Hereditary cancer-predisposing syndrome. Also called: Tumor predisposition; Neoplastic Syndromes, Hereditary; Hereditary Cancer Syndrome; Hereditary neoplastic syndrome. Identifiers: Orphanet 140162, MedGen C0027672, MeSH D009386, MONDO:0015356.
Gorlin syndrome. Also called: Basal cell nevus syndrome; Nevoid Basal Cell Carcinoma Syndrome. Identifiers: Orphanet 377, MedGen C0004779, MONDO:0007187.

Allele frequency attached by ClinVar (database versions not stated): gnomAD exomes below 0.00001 and 0.00001; ExAC 0.00001; gnomAD 0.00001; TOPMed 0.00001.
gnomAD v4.1: 16 of 1,612,670 alleles (0.00099%); highest among the groups gnomAD compares: Non-Finnish European, 0.0012%; no homozygotes.

Submissions (2):

Ambry Genetics
Classification: Uncertain significance for Hereditary cancer-predisposing syndrome. Last evaluated: 2025-12-02. Review status: criteria provided, single submitter. Criteria: Ambry Variant Classification Scheme 2023. Collection method: clinical testing. Allele origin: germline.
Comment: The p.C612F variant (also known as c.1835G>T), located in coding exon 13 of the PTCH1 gene, results from a G to T substitution at nucleotide position 1835. The cysteine at codon 612 is replaced by phenylalanine, an amino acid with highly dissimilar properties. This amino acid position is highly conserved in available vertebrate species. In addition, this alteration is predicted to be deleterious by in silico analysis. Since supporting evidence is limited at this time, the clinical significance of this alteration remains unclear.

Labcorp Genetics (formerly Invitae), Labcorp
Classification: Uncertain significance for Gorlin syndrome. Last evaluated: 2025-07-23. Review status: criteria provided, single submitter. Criteria: Invitae Variant Classification Sherloc (09022015). Collection method: clinical testing. Allele origin: germline.
Comment: This sequence change replaces cysteine, which is neutral and slightly polar, with phenylalanine, which is neutral and non-polar, at codon 612 of the PTCH1 protein (p.Cys612Phe). This variant is present in population databases (rs777587539, gnomAD 0.0009%). This variant has not been reported in the literature in individuals affected with PTCH1-related conditions. ClinVar contains an entry for this variant (Variation ID: 486191). Invitae Evidence Modeling of protein sequence and biophysical properties (such as structural, functional, and spatial information, amino acid conservation, physicochemical variation, residue mobility, and thermodynamic stability) has been performed for this missense variant. However, the output from this modeling did not meet the statistical confidence thresholds required to predict the impact of this variant on PTCH1 protein function. In summary, the available evidence is currently insufficient to determine the role of this variant in disease. Therefore, it has been classified as a Variant of Uncertain Significance.

NM_000264.5(PTCH1):c.1835G>T (p.Cys612Phe)

Genes: PTCH1 (patched 1; minus strand), LOC100507346 (uncharacterized LOC100507346; plus strand). Cytogenetic location: 9q22.32.
Variant type: single nucleotide variant.
Coding change: c.1835G>T on transcript NM_000264.5 (MANE Select); coding-DNA position 1835, G replaced by T.
Protein change: p.Cys612Phe; replaces cysteine 612 with phenylalanine.
Molecular consequence: missense variant. On other transcripts: non-coding transcript variant (2).
Genome position (GRCh38, 1-based): chr9:95,469,825, C>A on the plus strand (G>T on the coding strand, the complement: PTCH1 is on the minus strand). VCF-style: chr9-95469825-C-A. GRCh37 (hg19) VCF-style: chr9-98232107-C-A.
Other names: c.1637G>T, p.Cys546Phe (NM_001083602.3); c.1832G>T, p.Cys611Phe (NM_001083603.3); c.1382G>T, p.Cys461Phe (NM_001083604.3, NM_001083605.3, NM_001083606.3 and 1 more transcripts); c.1679G>T, p.Cys560Phe (NM_001354918.2); short protein forms C546F, C612F, C560F, C611F, C461F.
Identifiers: ClinVar variation 486191 (VCV000486191.16), dbSNP rs777587539, ClinGen allele CA5138514.